The following is an entry in ClinVar:

NM_002317.7(LOX):c.1141A>T (p.Asn381Tyr)

Genes: LOX (lysyl oxidase; minus strand), SRFBP1 (serum response factor binding protein 1; plus strand). Cytogenetic location: 5q23.1.
Variant type: single nucleotide variant.
Coding change: c.1141A>T on transcript NM_002317.7 (MANE Select); coding-DNA position 1141, A replaced by T.
Protein change: p.Asn381Tyr; replaces asparagine 381 with tyrosine.
Molecular consequence: missense variant.
Genome position (GRCh38, 1-based): chr5:122,070,159, T>A on the plus strand (A>T on the coding strand, the complement: LOX is on the minus strand). VCF-style: chr5-122070159-T-A. GRCh37 (hg19) VCF-style: chr5-121405854-T-A.
Other names: c.451A>T, p.Asn151Tyr (NM_001178102.2); c.250A>T, p.Asn84Tyr (NM_001317073.1); short protein forms N151Y, N381Y, N84Y.
Identifiers: ClinVar variation 4710010 (VCV004710010.1).

ClinVar aggregate classification (germline): Uncertain significance (1 of 4 stars; one submission).

Submission:

Labcorp Genetics (formerly Invitae), Labcorp
Classification: Uncertain significance. Last evaluated: 2025-10-15. Review status: criteria provided, single submitter. Criteria: Invitae Variant Classification Sherloc (09022015). Collection method: clinical testing. Allele origin: germline.
Comment: This sequence change replaces asparagine, which is neutral and polar, with tyrosine, which is neutral and polar, at codon 381 of the LOX protein (p.Asn381Tyr). This variant is not present in population databases (gnomAD no frequency). This variant has not been reported in the literature in individuals affected with LOX-related conditions. Invitae Evidence Modeling of protein sequence and biophysical properties (such as structural, functional, and spatial information, amino acid conservation, physicochemical variation, residue mobility, and thermodynamic stability) indicates that this missense variant is expected to disrupt LOX protein function with a positive predictive value of 95%. In summary, the available evidence is currently insufficient to determine the role of this variant in disease. Therefore, it has been classified as a Variant of Uncertain Significance.